The following is an entry in ClinVar:

ClinVar aggregate classification (germline): Uncertain significance. Review status: criteria provided, multiple submitters, no conflicts (2 of 4 stars). 2 submissions from 2 submitters: Uncertain significance (2). Last evaluated 2026-02-02.

Conditions:
Aortic aneurysm, familial thoracic 7 (AAT7). Also called: AORTIC DISSECTION, FAMILIAL, WITH OR WITHOUT AORTIC ANEURYSM. Identifiers: MedGen C3151077, MONDO:0013418, OMIM 613780.

gnomAD v4.1: 1 of 1,614,142 alleles (0.000062%); highest among the groups gnomAD compares: Non-Finnish European, 0.000085%; no homozygotes.

Submissions (2):

Labcorp Genetics (formerly Invitae), Labcorp
Classification: Uncertain significance for Aortic aneurysm, familial thoracic 7. Last evaluated: 2026-02-02. Review status: criteria provided, single submitter. Criteria: Invitae Variant Classification Sherloc (09022015). Collection method: clinical testing. Allele origin: germline.
Comment: This sequence change replaces glycine, which is neutral and non-polar, with glutamic acid, which is acidic and polar, at codon 368 of the MYLK protein (p.Gly368Glu). This variant is not present in population databases (gnomAD no frequency). This variant has not been reported in the literature in individuals affected with MYLK-related conditions. ClinVar contains an entry for this variant (Variation ID: 966874). Invitae Evidence Modeling of protein sequence and biophysical properties (such as structural, functional, and spatial information, amino acid conservation, physicochemical variation, residue mobility, and thermodynamic stability) indicates that this missense variant is not expected to disrupt MYLK protein function with a negative predictive value of 95%. In summary, the available evidence is currently insufficient to determine the role of this variant in disease. Therefore, it has been classified as a Variant of Uncertain Significance.

GeneDx
Classification: Uncertain significance. Last evaluated: 2019-09-06. Review status: criteria provided, single submitter. Criteria: GeneDx Variant Classification Process June 2021. Collection method: clinical testing. Allele origin: germline. Affected: yes.
Comment: Has not been previously published as pathogenic or benign to our knowledge; Not observed in large population cohorts (Lek et al., 2016); In silico analysis, which includes protein predictors and evolutionary conservation, supports that this variant does not alter protein structure/function

NM_053025.4(MYLK):c.1103G>A (p.Gly368Glu)

Gene: MYLK (myosin light chain kinase; minus strand). Cytogenetic location: 3q21.1.
Variant type: single nucleotide variant.
Coding change: c.1103G>A on transcript NM_053025.4 (MANE Select); coding-DNA position 1103, G replaced by A.
Protein change: p.Gly368Glu; replaces glycine 368 with glutamic acid.
Molecular consequence: missense variant.
Genome position (GRCh38, 1-based): chr3:123,733,893, C>T on the plus strand (G>A on the coding strand, the complement: MYLK is on the minus strand). VCF-style: chr3-123733893-C-T. GRCh37 (hg19) VCF-style: chr3-123452740-C-T.
Other names: c.575G>A, p.Gly192Glu (NM_001321309.2); c.1103G>A, p.Gly368Glu (NM_053026.4, NM_053027.4, NM_053028.4); short protein forms G192E, G368E.
Identifiers: ClinVar variation 966874 (VCV000966874.11), dbSNP rs2062581349, ClinGen allele CA354239510.